The following is an entry in ClinVar:

NM_016239.4(MYO15A):c.9948G>A (p.Gln3316=)

Gene: MYO15A (myosin XVA; plus strand). Cytogenetic location: 17p11.2.
Variant type: single nucleotide variant.
Coding change: c.9948G>A on transcript NM_016239.4 (MANE Select); coding-DNA position 9948, G replaced by A.
Protein change: p.Gln3316=; no amino-acid change (glutamine 3316 retained).
Molecular consequence: synonymous variant.
Genome position (GRCh38, 1-based): chr17:18,166,521, G>A. VCF-style: chr17-18166521-G-A. GRCh37 (hg19) VCF-style: chr17-18069835-G-A.
Identifiers: ClinVar variation 3893298 (VCV003893298.1).

ClinVar aggregate classification (germline): Pathogenic (1 of 4 stars; one submission).

gnomAD v4.1: 6 of 1,612,572 alleles (0.00037%); highest among the groups gnomAD compares: South Asian, 0.0066%; no homozygotes.

Submission:

GeneDx
Classification: Pathogenic. Last evaluated: 2024-10-28. Review status: criteria provided, single submitter. Criteria: GeneDx Variant Classification Process June 2021. Collection method: clinical testing. Allele origin: germline. Affected: yes.
Comment: This variant is demonstrated to destroy the canonical splice donor site and result in loss of function (PMID: 24949729); Not observed at significant frequency in large population cohorts (gnomAD); This variant is associated with the following publications: (PMID: 24949729)